The following is an entry in ClinVar:

ClinVar aggregate classification (germline): Pathogenic/Likely pathogenic. Review status: criteria provided, multiple submitters, no conflicts (2 of 4 stars). 13 submissions from 13 submitters: Pathogenic (5); Likely pathogenic (7). 1 of the submissions does not count toward it. Last evaluated 2025-12-23.

Conditions:
BTD-related disorder. Also called: BTD-related condition.
Biotinidase deficiency. Also called: Biotin deficiency; BTD deficiency; Late-onset biotin-responsive multiple carboxylase deficiency. Identifiers: Orphanet 79241, MedGen C0220754, MONDO:0009665, OMIM 253260.

Allele frequency attached by ClinVar (database versions not stated): gnomAD exomes 0.00001 and 0.00002; ExAC 0.00002.
gnomAD v4.1: 15 of 1,614,116 alleles (0.00093%); highest among the groups gnomAD compares: Middle Eastern, 0.016%; 1 homozygote.

Submissions (13):

Natera, Inc.
Classification: Likely pathogenic for Biotinidase deficiency. Last evaluated: 2025-12-23. Review status: criteria provided, single submitter. Criteria: Natera Variant Classification Schema (03/2026). Collection method: clinical testing. Allele origin: germline.
Comment: The c.497G>A variant in BTD is a missense variant predicted to cause substitution of cysteine to tyrosine at amino acid 166. This variant is rare in the general population with a frequency below the threshold expected for the associated phenotype(s). This variant has been observed in at least one unaffected individual, with a zygosity that is consistent with the inheritance pattern for the associated condition (in gnomAD and/or literature). This variant has been observed in one or more individuals affected with the associated recessive disease, as either homozygous or compound heterozygous with a second variant (PMID: 34374989, 22106832, 10801053, 25423671, 28971021, 23644139). Computational prediction algorithms indicate this variant is likely to affect gene or protein function. Given the available evidence, this variant is classified as Likely Pathogenic.

CeGaT Center for Human Genetics Tuebingen
Classification: Pathogenic. Last evaluated: 2025-09-01. Review status: criteria provided, single submitter. Criteria: CeGaT Center For Human Genetics Tuebingen Variant Classification Criteria Version 2. Collection method: clinical testing. Allele origin: germline. Affected: yes. Observed: 1 variant allele.
Comment: BTD: PM3:Very Strong, PM1, PM2, PP4

Revvity Omics, Revvity
Classification: Likely pathogenic for Biotinidase deficiency. Last evaluated: 2025-01-20. Review status: criteria provided, single submitter. Criteria: ACMG Guidelines, 2015. Collection method: clinical testing. Allele origin: germline.

Dubai Health Genomic Medicine Center, Dubai Health
Classification: Likely pathogenic for Biotinidase deficiency. Last evaluated: 2024-10-04. Review status: criteria provided, single submitter. Criteria: ACMG Guidelines, 2015. Collection method: research. Allele origin: germline. Affected: yes.
Comment: PM3 (strong),PM2,PP3,PM1,PM5

Labcorp Genetics (formerly Invitae), Labcorp
Classification: Pathogenic for Biotinidase deficiency. Last evaluated: 2024-07-01. Review status: criteria provided, single submitter. Criteria: Invitae Variant Classification Sherloc (09022015). Collection method: clinical testing. Allele origin: germline.
Comment: This sequence change replaces cysteine, which is neutral and slightly polar, with tyrosine, which is neutral and polar, at codon 186 of the BTD protein (p.Cys186Tyr). This variant is present in population databases (rs397514369, gnomAD 0.02%). This missense change has been observed in individual(s) with profound or partial biotinidase deficiency, and suspected BTD deficiency (PMID: 10801053, 22011816, 23644139, 25754625). ClinVar contains an entry for this variant (Variation ID: 25020). Advanced modeling of protein sequence and biophysical properties (such as structural, functional, and spatial information, amino acid conservation, physicochemical variation, residue mobility, and thermodynamic stability) performed at Invitae indicates that this missense variant is expected to disrupt BTD protein function with a positive predictive value of 95%. For these reasons, this variant has been classified as Pathogenic.

Genomic Medicine Center of Excellence, King Faisal Specialist Hospital and Research Centre
Classification: Pathogenic for Biotinidase deficiency. Last evaluated: 2024-03-25. Review status: criteria provided, single submitter. Criteria: ACMG Guidelines, 2015. Collection method: clinical testing. Allele origin: germline.

Baylor Genetics
Classification: Likely pathogenic for Biotinidase deficiency. Last evaluated: 2024-03-20. Review status: criteria provided, single submitter. Criteria: ACMG Guidelines, 2015. Collection method: clinical testing. Allele origin: unknown.

Women's Health and Genetics/Laboratory Corporation of America, LabCorp
Classification: Pathogenic for Biotinidase deficiency. Last evaluated: 2023-08-23. Review status: criteria provided, single submitter. Criteria: LabCorp Variant Classification Summary - May 2015. Collection method: clinical testing. Allele origin: germline.
Comment: Variant summary: BTD c.497G>A (p.Cys166Tyr) results in a non-conservative amino acid change in the encoded protein sequence. Five of five in-silico tools predict a damaging effect of the variant on protein function. The variant allele was found at a frequency of 2e-05 in 251430 control chromosomes in the gnomAD database, including 1 homozygote. c.497G>A has been reported in the literature in multiple individuals affected with Biotinidase Deficiency, including a homozygous individual with profound biotinidase deficiency and compound heterozygous cases with other (likely) pathogenic variants (Ben-Rebeh_2012, Ercan_2020, Kasapkara_2015, Pomponio_2000, Thodi_2013). These data indicate that the variant is very likely to be associated with disease. The following publications have been ascertained in the context of this evaluation (PMID: 10801053, 33189081, 22011816, 23644139, 22106832, 25423671). Three submitters have cited clinical-significance assessments for this variant to ClinVar after 2014. All submitters classified the variant as pathogenic/likely pathogenic. Based on the evidence outlined above, the variant was classified as pathogenic.

Laboratory for Molecular Medicine, Mass General Brigham Personalized Medicine
Classification: Pathogenic for Biotinidase deficiency. Last evaluated: 2022-11-03. Review status: criteria provided, single submitter. Criteria: ACMG Guidelines, 2015. Collection method: clinical testing. Allele origin: germline.
Comment: The p.Cys186Tyr variant in BTD has been reported in at least 4 compound heterozygous individuals with partial Biotinidase deficiency and reduced Biotinidase activity in their serum (Pomponio 2000 PubMed: 10801053; Ben-Rebeh 2012 PMID: 22106832; Thodi 2013 PMID: 23644139; Al Hosani 2014 PMID: 24932929) and in 15 newborns with Biotinidase deficiency (Karaca 2015 PMID: 25754625; Seker Yilmaz 2018 PMID: 29353266). It was also observed in ClinVar (Variation ID 25020) but absent in gnomAD. Computational prediction tools and conservation analysis suggest that this variant may impact the protein, though this information is not predictive enough to determine pathogenicity. This variant disrupts a functional cysteine that is likely important for protein function (Karaca 2015 PMID: 25754625). In summary, this variant meets criteria to be classified as pathogenic for autosomal recessive partial Biotinidase deficiency. ACMG/AMP Criteria applied: PM3_VeryStrong, PM1_Supporting, PM2_Supporting, PP3, PP4.

Blueprint Genetics
Classification: Likely pathogenic for BTD-related disorders. Last evaluated: 2021-10-22. Review status: criteria provided, single submitter. Criteria: ACMG Guidelines, 2015. Collection method: clinical testing. Allele origin: germline. Affected: yes. Observed: 1 variant allele.

Eurofins Ntd Llc (ga)
Classification: Likely pathogenic. Last evaluated: 2012-12-11. Review status: criteria provided, single submitter. Criteria: EGL Classification Definitions. Collection method: clinical testing. Allele origin: germline. Observed: 2 variant alleles, 2 heterozygotes.

Kariminejad - Najmabadi Pathology & Genetics Center
Classification: Likely pathogenic for Biotinidase deficiency. Review status: criteria provided, single submitter. Criteria: ACMG Guidelines, 2015. Collection method: clinical testing. Allele origin: germline. Affected: no.

Counsyl
Classification: Likely pathogenic for Biotinidase deficiency. Last evaluated: 2019-07-11. Review status: no assertion criteria provided. Collection method: clinical testing. Allele origin: unknown. Not counted in ClinVar's aggregate classification.

Literature cited by the submitters: PubMed 34374989 (cited by Natera, Inc.); PubMed 22106832 (cited by 3 submitters); PubMed 10801053 (cited by 4 submitters); PubMed 25423671 (cited by 3 submitters); PubMed 28971021 (cited by Natera, Inc.); PubMed 23644139 (cited by 4 submitters); PubMed 22011816 (cited by Labcorp Genetics (formerly Invitae), Labcorp and Women's Health and Genetics/Laboratory Corporation of America, LabCorp); PubMed 25754625 (cited by Labcorp Genetics (formerly Invitae), Labcorp and Counsyl); PubMed 33189081 (cited by Women's Health and Genetics/Laboratory Corporation of America, LabCorp); PubMed 24932929 (cited by Counsyl); PubMed 29353266 (cited by Counsyl); PubMed 24516753 (cited by Counsyl).

NM_001370658.1(BTD):c.497G>A (p.Cys166Tyr)

Gene: BTD (biotinidase; plus strand). Cytogenetic location: 3p25.1.
Variant type: single nucleotide variant.
Coding change: c.497G>A on transcript NM_001370658.1 (MANE Select); coding-DNA position 497, G replaced by A.
Protein change: p.Cys166Tyr; replaces cysteine 166 with tyrosine.
Molecular consequence: missense variant. On other transcripts: intron variant (6).
Genome position (GRCh38, 1-based): chr3:15,644,413, G>A. VCF-style: chr3-15644413-G-A. GRCh37 (hg19) VCF-style: chr3-15685920-G-A.
Other names: c.557G>A, p.Cys186Tyr (NM_000060.4); c.497G>A, p.Cys166Tyr (NM_001281723.4, NM_001281724.3, NM_001281725.3 and 18 more transcripts); c.497G>A (NM_001281723.3); c.399+2356G>A (NM_001370753.1, NM_001407400.1, NM_001407380.1 and 3 more transcripts); short protein forms C166Y.
Identifiers: ClinVar variation 25020 (VCV000025020.33), dbSNP rs397514369, ClinGen allele CA220327.
Genomic context (GRCh38, chr3:15,644,413, plus strand): 5'-ATATGTTCTTGGTGGCCAATCTTGGGACAAAGGAGCCTTGTCATAGCAGTGACCCAAGGT[G>A]CCCAAAAGATGGGAGATACCAGTTCAACACAAATGTCGTGTTCAGCAATAATGGAACCCT-3'
Protein context (NP_001357587.1, residues 156-176): KEPCHSSDPR[Cys166Tyr]PKDGRYQFNT